The following is an entry in ClinVar:

NM_000178.4(GSS):c.383A>G (p.Tyr128Cys)

Gene: GSS (glutathione synthetase; minus strand). Cytogenetic location: 20q11.22.
Variant type: single nucleotide variant.
Coding change: c.383A>G on transcript NM_000178.4 (MANE Select); coding-DNA position 383, A replaced by G.
Protein change: p.Tyr128Cys; replaces tyrosine 128 with cysteine.
Molecular consequence: missense variant.
Genome position (GRCh38, 1-based): chr20:34,942,596, T>C on the plus strand (A>G on the coding strand, the complement: GSS is on the minus strand). VCF-style: chr20-34942596-T-C. GRCh37 (hg19) VCF-style: chr20-33530399-T-C.
Other names: c.383A>G, p.Tyr128Cys (NM_001322494.1, NM_001322495.1); short protein forms Y128C.
Identifiers: ClinVar variation 1053683 (VCV001053683.6), dbSNP rs762533768, ClinGen allele CA9826093.

ClinVar aggregate classification (germline): Uncertain significance (1 of 4 stars; one submission).

Conditions:
Inherited glutathione synthetase deficiency. Identifiers: Orphanet 32, MedGen C5979912, MONDO:0017909.

Allele frequency attached by ClinVar (database versions not stated): gnomAD exomes below 0.00001 and 0.00001; ExAC 0.00001.
gnomAD v4.1: 10 of 1,613,954 alleles (0.00062%); highest among the groups gnomAD compares: East Asian, 0.0022%; no homozygotes.

Submission:

Labcorp Genetics (formerly Invitae), Labcorp
Classification: Uncertain significance for Glutathione synthetase deficiency with 5-oxoprolinuria. Last evaluated: 2021-08-28. Review status: criteria provided, single submitter. Criteria: Invitae Variant Classification Sherloc (09022015). Collection method: clinical testing. Allele origin: germline.
Comment: This sequence change replaces tyrosine with cysteine at codon 128 of the GSS protein (p.Tyr128Cys). The tyrosine residue is highly conserved and there is a large physicochemical difference between tyrosine and cysteine. This variant is present in population databases (rs762533768, ExAC 0.01%). This variant has not been reported in the literature in individuals affected with GSS-related conditions. Algorithms developed to predict the effect of missense changes on protein structure and function (SIFT, PolyPhen-2, Align-GVGD) all suggest that this variant is likely to be disruptive. In summary, the available evidence is currently insufficient to determine the role of this variant in disease. Therefore, it has been classified as a Variant of Uncertain Significance.